The following is an entry in ClinVar:

ClinVar aggregate classification (germline): Uncertain significance (1 of 4 stars; one submission).

gnomAD v4.1: 83 of 1,613,454 alleles (0.0051%); highest among the groups gnomAD compares: African/African-American, 0.11%; no homozygotes.

Submission:

Ambry Genetics
Classification: Uncertain significance. Last evaluated: 2025-04-03. Review status: criteria provided, single submitter. Criteria: Ambry Variant Classification Scheme 2023. Collection method: clinical testing. Allele origin: germline.
Comment: The c.854-3C>T intronic variant results from a C to T substitution 3 nucleotides upstream from coding exon 8 in the RAD51B gene. This nucleotide position is highly conserved in available vertebrate species. In silico splice site analysis predicts that this alteration will not have any significant effect on splicing. The evidence for this gene-disease relationship is limited; therefore, the clinical significance of this alteration is unclear.

NM_133510.4(RAD51B):c.854-3C>T

Gene: RAD51B (RAD51 paralog B; plus strand). Cytogenetic location: 14q24.1.
Variant type: single nucleotide variant.
Coding change: c.854-3C>T on transcript NM_133510.4 (MANE Select); 3 bases into the intron before coding-DNA position 854, C replaced by T.
Molecular consequence: intron variant.
Genome position (GRCh38, 1-based): chr14:68,411,421, C>T. VCF-style: chr14-68411421-C-T. GRCh37 (hg19) VCF-style: chr14-68878138-C-T.
Other names: c.854-3C>T (NM_001321818.2, NM_001321809.2, NM_001321821.2 and 6 more transcripts); c.497-3C>T (NM_001321817.2); c.740-3C>T (NM_001321815.1).
Identifiers: ClinVar variation 3942245 (VCV003942245.1).
Genomic context (GRCh38, chr14:68,411,421, plus strand): 5'-TTCATGTGAAATGCCATCTCAAGAAAGGGCATCTGAAAGCGTGCTTTTACCATTTCATTT[C>T]AGGCACTTCTGGATCCAGCTGTGTGATAGCCGCACTAGGAAATACCTGGAGTCACAGTGT-3'